The following is an entry in ClinVar:

ClinVar aggregate classification (germline): Pathogenic. Review status: criteria provided, multiple submitters, no conflicts (2 of 4 stars). 4 submissions from 4 submitters: Pathogenic (3). 1 of the submissions does not count toward it. Last evaluated 2024-10-18.
ClinVar aggregate classification (oncogenicity): Oncogenic (1 of 4 stars; one submission).

Conditions:
CREBBP-related disorder. Also called: CREBBP-related condition; CREBBP-related disorders.
Abnormal cerebral morphology. Also called: Abnormality of the cerebrum. Identifiers: MedGen C4021762, HP:0002060.
Neoplasm. Also called: Neoplasms; Neoplasm (disease); tumor. Identifiers: MedGen C0027651, MeSH D009369, MONDO:0005070, HP:0002664.

Submissions (5):

Center for Genomic Medicine, Rigshospitalet, Copenhagen University Hospital
Classification: Oncogenic for Neoplasm. Last evaluated: 2025-03-04. Review status: criteria provided, single submitter. Criteria: ClinGen/CGC/VICC Guidelines for Oncogenicity, 2022. Collection method: clinical testing. Allele origin: somatic. Affected: yes.

Dasa
Classification: Pathogenic. Last evaluated: 2024-10-18. Review status: criteria provided, single submitter. Criteria: DASA Assertion Criteria. Collection method: clinical testing. Allele origin: germline.
Comment: NM_004380.3(CREBBP):c.223C>T (p.Arg75*) introduces a premature termination codon predicted to result in loss of normal protein function. Loss-of-function is an established mechanism of disease for this gene. This variant has been reported in individuals with related phenotype (PMID: 25388907). The variant is present at low frequency in population datasets. Based on the available data, this variant is classified as pathogenic.

PreventionGenetics, part of Exact Sciences
Classification: Pathogenic for CREBBP-related condition. Last evaluated: 2023-04-08. Review status: criteria provided, single submitter. Criteria: ACMG Guidelines, 2015. Collection method: clinical testing. Allele origin: germline.
Comment: The CREBBP c.223C>T variant is predicted to result in premature protein termination (p.Arg75*). This variant was reported in two individuals with Rubinstein-Taybi syndrome (see Patient 130 in Tables S1b and S1d, Spena et al 2015. PubMed ID: 25388907; Table S1, Kosaki R et al 2020. PubMed ID: 32369273). This variant has not been reported in a large population database, indicating this variant is rare. Nonsense variants in CREBBP are expected to be pathogenic. This variant is interpreted as pathogenic.

GeneDx
Classification: Pathogenic. Last evaluated: 2022-06-10. Review status: criteria provided, single submitter. Criteria: GeneDx Variant Classification Process June 2021. Collection method: clinical testing. Allele origin: germline. Affected: yes.
Comment: Reported in the published literature as a causative variant by single gene testing in a patient with a clinical diagnosis of Rubenstein Taybi syndrome, but segregation information was not provided (Spena et al, 2014); Nonsense variant predicted to result in protein truncation or nonsense mediated decay in a gene for which loss of function is a known mechanism of disease; Not observed at significant frequency in large population cohorts (gnomAD); This variant is associated with the following publications: (PMID: 32369273, 25388907)

Diagnostic Laboratory, Strasbourg University Hospital
Classification: Pathogenic for Abnormal cerebral morphology. Review status: no assertion criteria provided. Collection method: clinical testing. Allele origin: germline. Affected: yes. Observed: 1 heterozygote. Not counted in ClinVar's aggregate classification.

Literature cited by the submitters: PubMed 21390126 (cited by Center for Genomic Medicine, Rigshospitalet, Copenhagen University Hospital); PubMed 25388907 (cited by Dasa).

NM_004380.3(CREBBP):c.223C>T (p.Arg75Ter)

Gene: CREBBP (CREB binding lysine acetyltransferase; minus strand). Cytogenetic location: 16p13.3.
Variant type: single nucleotide variant.
Coding change: c.223C>T on transcript NM_004380.3 (MANE Select); coding-DNA position 223, C replaced by T.
Protein change: p.Arg75Ter; replaces arginine 75 with a stop codon.
Molecular consequence: nonsense.
Genome position (GRCh38, 1-based): chr16:3,850,872, G>A on the plus strand (C>T on the coding strand, the complement: CREBBP is on the minus strand). VCF-style: chr16-3850872-G-A. GRCh37 (hg19) VCF-style: chr16-3900873-G-A.
Other names: c.223C>T, p.Arg75Ter (NM_001079846.1); c.223C>T (NM_004380.2); short protein forms R75*.
Identifiers: ClinVar variation 1701038 (VCV001701038.6), dbSNP rs2141496166, ClinGen allele CA394562067.